The following is an entry in ClinVar:

NM_003826.3(NAPG):c.543_545del (p.Lys181del)

Gene: NAPG (NSF attachment protein gamma; plus strand). Cytogenetic location: 18p11.22.
Variant type: Deletion.
Coding change: c.543_545del on transcript NM_003826.3 (MANE Select); coding-DNA positions 543 to 545, 3 bases deleted (AAA; older notation c.543_545delAAA).
Protein change: p.Lys181del; deletes lysine 181.
Molecular consequence: inframe deletion.
Genome position (GRCh38, 1-based): chr18:10,546,362-10,546,364, AAA deleted; deleting any 3 consecutive bases within chr18:10,546,358-10,546,364 gives the same sequence; the c. name uses the placement nearest the transcript's 3' end. VCF-style (leftmost placement, unchanged base first): chr18-10546357-GAAA-G. GRCh37 (hg19) VCF-style: chr18-10546354-GAAA-G.
Other names: short protein forms K181del.
Identifiers: ClinVar variation 2648581 (VCV002648581.24), dbSNP rs756804159, ClinGen allele CA2695200380.

ClinVar aggregate classification (germline): Uncertain significance (1 of 4 stars; one submission).

Submission:

CeGaT Center for Human Genetics Tuebingen
Classification: Uncertain significance. Last evaluated: 2023-03-01. Review status: criteria provided, single submitter. Criteria: CeGaT Center For Human Genetics Tuebingen Variant Classification Criteria Version 2. Collection method: clinical testing. Allele origin: germline. Affected: yes. Observed: 1 variant allele.
Comment: NAPG: PM2, PM4:Supporting